The following is an entry in ClinVar:

NM_004247.4(EFTUD2):c.737C>T (p.Ala246Val)

Gene: EFTUD2 (elongation factor Tu GTP binding domain containing 2; minus strand). Cytogenetic location: 17q21.31.
Variant type: single nucleotide variant.
Coding change: c.737C>T on transcript NM_004247.4 (MANE Select); coding-DNA position 737, C replaced by T.
Protein change: p.Ala246Val; replaces alanine 246 with valine.
Molecular consequence: missense variant.
Genome position (GRCh38, 1-based): chr17:44,876,066, G>A on the plus strand (C>T on the coding strand, the complement: EFTUD2 is on the minus strand). VCF-style: chr17-44876066-G-A. GRCh37 (hg19) VCF-style: chr17-42953434-G-A.
Other names: c.632C>T, p.Ala211Val (NM_001142605.2); c.737C>T, p.Ala246Val (NM_001258353.2); c.707C>T, p.Ala236Val (NM_001258354.2); c.737C>T (NM_004247.3); short protein forms A211V, A236V, A246V.
Identifiers: ClinVar variation 4754473 (VCV004754473.2).

ClinVar aggregate classification (germline): Uncertain significance. Review status: criteria provided, multiple submitters, no conflicts (2 of 4 stars). 2 submissions from 2 submitters: Uncertain significance (2). Last evaluated 2026-09-23.

Conditions:
EFTUD2-related disorder. Also called: EFTUD2-related condition.

gnomAD v4.1: 13 of 1,613,568 alleles (0.00081%); highest among the groups gnomAD compares: Admixed American, 0.005%; no homozygotes.

Submissions (2):

PreventionGenetics, part of Exact Sciences
Classification: Uncertain significance for EFTUD2-related condition. Last evaluated: 2026-09-23. Review status: criteria provided, single submitter. Criteria: ACMG Guidelines, 2015. Collection method: clinical testing. Allele origin: germline.
Comment: The EFTUD2 c.737C>T variant is predicted to result in the amino acid substitution p.Ala246Val. To our knowledge, this variant has not been reported in the literature. This variant is reported in 0.0087% of alleles in individuals of Latino descent in gnomAD. At this time, the clinical significance of this variant is uncertain due to the absence of conclusive functional and genetic evidence.

Labcorp Genetics (formerly Invitae), Labcorp
Classification: Uncertain significance. Last evaluated: 2025-05-18. Review status: criteria provided, single submitter. Criteria: Invitae Variant Classification Sherloc (09022015). Collection method: clinical testing. Allele origin: germline.
Comment: This sequence change replaces alanine, which is neutral and non-polar, with valine, which is neutral and non-polar, at codon 246 of the EFTUD2 protein (p.Ala246Val). This variant is present in population databases (no rsID available, gnomAD 0.009%). This variant has not been reported in the literature in individuals affected with EFTUD2-related conditions. Invitae Evidence Modeling of protein sequence and biophysical properties (such as structural, functional, and spatial information, amino acid conservation, physicochemical variation, residue mobility, and thermodynamic stability) indicates that this missense variant is expected to disrupt EFTUD2 protein function with a positive predictive value of 80%. In summary, the available evidence is currently insufficient to determine the role of this variant in disease. Therefore, it has been classified as a Variant of Uncertain Significance.